The following is an entry in ClinVar:

ClinVar aggregate classification (germline): Likely benign. Review status: criteria provided, multiple submitters, no conflicts (2 of 4 stars). 5 submissions from 5 submitters: Likely benign (5). Last evaluated 2024-08-13.

Conditions:
Familial thoracic aortic aneurysm and aortic dissection (TAAD). Also called: Thoracic aortic aneurysms and dissections. Identifiers: Orphanet 91387, MedGen C4707243, MONDO:0019625.
Connective tissue disorder. Also called: Connective tissue disease. Identifiers: MedGen C0009782, MONDO:0003900.
Aortic aneurysm, familial thoracic 4 (AAT4). Also called: AORTIC ANEURYSM/AORTIC DISSECTION AND PATENT DUCTUS ARTERIOSUS. Identifiers: MedGen C1851504, MONDO:0007568, OMIM 132900.

Allele frequency attached by ClinVar (database versions not stated): TOPMed below 0.00001; gnomAD exomes 0.00001; ExAC 0.00002.
gnomAD v4.1: 13 of 1,614,134 alleles (0.00081%); highest among the groups gnomAD compares: East Asian, 0.0022%; no homozygotes.

Submissions (5):

All of Us Research Program, National Institutes of Health
Classification: Likely benign for Familial thoracic aortic aneurysm and aortic dissection. Last evaluated: 2024-08-13. Review status: criteria provided, single submitter. Criteria: ACMG Guidelines, 2015. Collection method: clinical testing. Allele origin: germline. Inheritance: Autosomal dominant inheritance. Observed: 3 variant alleles, 3 heterozygotes.
Comment: This study involves interpretation of variants in research participants for the purpose of population health screening. Participant phenotype was not available at the time of variant classification. Additional details can be found in publication PMID: 35346344, PMCID: PMC8962531

Labcorp Genetics (formerly Invitae), Labcorp
Classification: Likely benign for Aortic aneurysm, familial thoracic 4. Last evaluated: 2023-08-16. Review status: criteria provided, single submitter. Criteria: Invitae Variant Classification Sherloc (09022015). Collection method: clinical testing. Allele origin: germline.

Color Diagnostics, LLC DBA Color Health
Classification: Likely benign for Familial thoracic aortic aneurysm and aortic dissection. Last evaluated: 2019-07-26. Review status: criteria provided, single submitter. Criteria: ACMG Guidelines, 2015. Collection method: clinical testing. Allele origin: germline.

Center for Human Genetics, Inc
Classification: Likely benign for Connective tissue disorder. Last evaluated: 2018-06-01. Review status: criteria provided, single submitter. Criteria: ACMG Guidelines, 2015. Collection method: clinical testing. Allele origin: germline. Affected: yes.

GeneDx
Classification: Likely benign. Last evaluated: 2018-04-26. Review status: criteria provided, single submitter. Criteria: GeneDx Variant Classification (06012015). Collection method: clinical testing. Allele origin: germline. Affected: yes.
Comment: This variant is considered likely benign or benign based on one or more of the following criteria: it is a conservative change, it occurs at a poorly conserved position in the protein, it is predicted to be benign by multiple in silico algorithms, and/or has population frequency not consistent with disease.

NM_002474.3(MYH11):c.1794G>A (p.Pro598=)

Gene: MYH11 (myosin heavy chain 11; minus strand). Cytogenetic location: 16p13.11.
Variant type: single nucleotide variant.
Coding change: c.1794G>A on transcript NM_002474.3 (MANE Select); coding-DNA position 1794, G replaced by A.
Protein change: p.Pro598=; no amino-acid change (proline 598 retained).
Molecular consequence: synonymous variant.
Genome position (GRCh38, 1-based): chr16:15,753,464, C>T on the plus strand (G>A on the coding strand, the complement: MYH11 is on the minus strand). VCF-style: chr16-15753464-C-T. GRCh37 (hg19) VCF-style: chr16-15847321-C-T.
Other names: c.1815G>A, p.Pro605= (NM_001040113.2, NM_001040114.2); c.1794G>A, p.Pro598= (NM_022844.3).
Identifiers: ClinVar variation 561307 (VCV000561307.10), dbSNP rs749272388, ClinGen allele CA7922510.